The following is an entry in ClinVar:

NM_005157.6(ABL1):c.3313G>C (p.Gly1105Arg)

Gene: ABL1 (ABL proto-oncogene 1, non-receptor tyrosine kinase; plus strand). Cytogenetic location: 9q34.12.
Variant type: single nucleotide variant.
Coding change: c.3313G>C on transcript NM_005157.6 (MANE Select); coding-DNA position 3313, G replaced by C.
Protein change: p.Gly1105Arg; replaces glycine 1105 with arginine.
Molecular consequence: missense variant.
Genome position (GRCh38, 1-based): chr9:130,885,603, G>C. VCF-style: chr9-130885603-G-C. GRCh37 (hg19) VCF-style: chr9-133760990-G-C.
Other names: c.3370G>C, p.Gly1124Arg (NM_007313.3); short protein forms G1105R, G1124R.
Identifiers: ClinVar variation 1720090 (VCV001720090.5), dbSNP rs768644488, ClinGen allele CA375262169.

ClinVar aggregate classification (germline): Uncertain significance (1 of 4 stars; one submission).

Submission:

Labcorp Genetics (formerly Invitae), Labcorp
Classification: Uncertain significance. Last evaluated: 2022-07-20. Review status: criteria provided, single submitter. Criteria: Invitae Variant Classification Sherloc (09022015). Collection method: clinical testing. Allele origin: germline.
Comment: This variant is not present in population databases (gnomAD no frequency). In summary, the available evidence is currently insufficient to determine the role of this variant in disease. Therefore, it has been classified as a Variant of Uncertain Significance. Advanced modeling of protein sequence and biophysical properties (such as structural, functional, and spatial information, amino acid conservation, physicochemical variation, residue mobility, and thermodynamic stability) performed at Invitae indicates that this missense variant is not expected to disrupt ABL1 protein function. This variant has not been reported in the literature in individuals affected with ABL1-related conditions. This sequence change replaces glycine, which is neutral and non-polar, with arginine, which is basic and polar, at codon 1124 of the ABL1 protein (p.Gly1124Arg).